The following is an entry in ClinVar:

ClinVar aggregate classification (germline): Uncertain significance (1 of 4 stars; one submission).

Conditions:
Long QT syndrome (LQTS). Identifiers: MedGen C0023976, MeSH D008133, MONDO:0002442. Disease mechanism: loss of function. Inheritance: Various modes of inheritance.

Allele frequency attached by ClinVar (database versions not stated): gnomAD exomes 0.00001.

Submission:

Labcorp Genetics (formerly Invitae), Labcorp
Classification: Uncertain significance for Long QT syndrome. Last evaluated: 2023-07-03. Review status: criteria provided, single submitter. Criteria: Invitae Variant Classification Sherloc (09022015). Collection method: clinical testing. Allele origin: germline.
Comment: This sequence change replaces glutamic acid, which is acidic and polar, with glutamine, which is neutral and polar, at codon 1303 of the AKAP9 protein (p.Glu1303Gln). This variant is not present in population databases (gnomAD no frequency). This variant has not been reported in the literature in individuals affected with AKAP9-related conditions. ClinVar contains an entry for this variant (Variation ID: 1055988). An algorithm developed to predict the effect of missense changes on protein structure and function (PolyPhen-2) suggests that this variant is likely to be tolerated. In summary, the available evidence is currently insufficient to determine the role of this variant in disease. Therefore, it has been classified as a Variant of Uncertain Significance.

NM_005751.5(AKAP9):c.3907G>C (p.Glu1303Gln)

Gene: AKAP9 (A-kinase anchoring protein 9; plus strand). Cytogenetic location: 7q21.2.
Variant type: single nucleotide variant.
Coding change: c.3907G>C on transcript NM_005751.5 (MANE Select); coding-DNA position 3907, G replaced by C.
Protein change: p.Glu1303Gln; replaces glutamic acid 1303 with glutamine.
Molecular consequence: missense variant.
Genome position (GRCh38, 1-based): chr7:92,022,307, G>C. VCF-style: chr7-92022307-G-C. GRCh37 (hg19) VCF-style: chr7-91651621-G-C.
Other names: c.3907G>C, p.Glu1303Gln (NM_147185.3); short protein forms E1303Q.
Identifiers: ClinVar variation 1055988 (VCV001055988.9), dbSNP rs1802434131, ClinGen allele CA368127525.
Genomic context (GRCh38, chr7:92,022,307, plus strand): 5'-CAGCAGACAGATGGTATGAAACTTGAATTTGGAGAAGAAAACCTTCCAAAAGAGGAAACA[G>C]AGTTTTTATCAATCCATTCTCAGATGACCAATTTGGAAGACATTGGTAAATTTTGATCAT-3'
Protein context (NP_005742.4, residues 1293-1313): GEENLPKEET[Glu1303Gln]FLSIHSQMTN